The following is an entry in ClinVar:

NM_017636.4(TRPM4):c.2531G>T (p.Gly844Val)

Gene: TRPM4 (transient receptor potential cation channel subfamily M member 4; plus strand). Cytogenetic location: 19q13.33.
Variant type: single nucleotide variant.
Coding change: c.2531G>T on transcript NM_017636.4 (MANE Select); coding-DNA position 2531, G replaced by T.
Protein change: p.Gly844Val; replaces glycine 844 with valine.
Molecular consequence: missense variant. On other transcripts: intron variant (1).
Genome position (GRCh38, 1-based): chr19:49,196,760, G>T. VCF-style: chr19-49196760-G-T. GRCh37 (hg19) VCF-style: chr19-49700017-G-T.
Other names: c.2186G>T, p.Gly729Val (NM_001321281.2); c.923G>T, p.Gly308Val (NM_001321282.2); c.2009G>T, p.Gly670Val (NM_001321283.2); c.1469G>T, p.Gly490Val (NM_001321285.2); c.2211-3540G>T (NM_001195227.2); c.2531G>T (NM_017636.3); short protein forms G729V, G670V, G308V, G490V, G844V.
Identifiers: ClinVar variation 2719120 (VCV002719120.5), dbSNP rs200038418, ClinGen allele CA9569565.
Genomic context (GRCh38, chr19:49,196,760, plus strand): 5'-TGCTGTGCGAGGAACTGCGCCAGGGCCTGAGCGGAGGCGGGGGCAGCCTCGCCAGCGGGG[G>T]CCCCGGGCCTGGCCATGCCTCACTGAGCCAGCGCCTGCGCCTCTACCTCGCCGACAGCTG-3'
Protein context (NP_060106.2, residues 834-854): SGGGGSLASG[Gly844Val]PGPGHASLSQ

ClinVar aggregate classification (germline): Uncertain significance. Review status: criteria provided, multiple submitters, no conflicts (2 of 4 stars). 2 submissions from 2 submitters: Uncertain significance (2). Last evaluated 2025-09-11.

Conditions:
Cardiovascular phenotype. Identifiers: MedGen CN230736.
Progressive familial heart block type IB (PFHB1B). Identifiers: Orphanet 871, MedGen C1970298, MONDO:0011474, OMIM 604559.

gnomAD v4.1: 17 of 1,551,100 alleles (0.0011%); highest among the groups gnomAD compares: Admixed American, 0.0038%; no homozygotes.

Submissions (2):

Ambry Genetics
Classification: Uncertain significance for Cardiovascular phenotype. Last evaluated: 2025-09-11. Review status: criteria provided, single submitter. Criteria: Ambry Variant Classification Scheme 2023. Collection method: clinical testing. Allele origin: germline.

Labcorp Genetics (formerly Invitae), Labcorp
Classification: Uncertain significance for Progressive familial heart block type IB. Last evaluated: 2025-02-12. Review status: criteria provided, single submitter. Criteria: Invitae Variant Classification Sherloc (09022015). Collection method: clinical testing. Allele origin: germline.
Comment: This sequence change replaces glycine, which is neutral and non-polar, with valine, which is neutral and non-polar, at codon 844 of the TRPM4 protein (p.Gly844Val). This variant is present in population databases (rs200038418, gnomAD 0.04%). This variant has not been reported in the literature in individuals affected with TRPM4-related conditions. ClinVar contains an entry for this variant (Variation ID: 2719120). An algorithm developed to predict the effect of missense changes on protein structure and function (PolyPhen-2) suggests that this variant is likely to be disruptive. In summary, the available evidence is currently insufficient to determine the role of this variant in disease. Therefore, it has been classified as a Variant of Uncertain Significance.